The following is an entry in ClinVar:

ClinVar aggregate classification (germline): Pathogenic (1 of 4 stars; one submission).

Conditions:
Hereditary spastic paraplegia 11. Also called: SPASTIC PARAPLEGIA, AUTOSOMAL RECESSIVE, COMPLICATED, WITH THIN CORPUS CALLOSUM; SPASTIC PARAPLEGIA, AUTOSOMAL RECESSIVE, WITH MENTAL IMPAIRMENT AND THIN CORPUS CALLOSUM; Nakamura Osame syndrome; Autosomal recessive hereditary spastic paraplegia, mental impairment, and thin corpus callosum; Spastic paraplegia, mental retardation and thin corpus callosum; Spastic Paraplegia 11. Identifiers: Orphanet 2822, MedGen C1858479, MONDO:0011445, OMIM 604360.

Submission:

Labcorp Genetics (formerly Invitae), Labcorp
Classification: Pathogenic for Hereditary spastic paraplegia 11. Last evaluated: 2025-11-18. Review status: criteria provided, single submitter. Criteria: Invitae Variant Classification Sherloc (09022015). Collection method: clinical testing. Allele origin: germline.
Comment: This sequence change creates a premature translational stop signal (p.Lys1303Asnfs*2) in the SPG11 gene. It is expected to result in an absent or disrupted protein product. Loss-of-function variants in SPG11 are known to be pathogenic (PMID: 19105190, 20110243, 22154821, 26556829). This variant is not present in population databases (gnomAD no frequency). This variant has not been reported in the literature in individuals affected with SPG11-related conditions. ClinVar contains an entry for this variant (Variation ID: 1075471). For these reasons, this variant has been classified as Pathogenic.

Literature cited by the submitters: PubMed 19105190; PubMed 20110243; PubMed 22154821; PubMed 26556829.

NM_025137.4(SPG11):c.3909del (p.Lys1303fs)

Gene: SPG11 (SPG11 vesicle trafficking associated, spatacsin; minus strand). Cytogenetic location: 15q21.1.
Variant type: Deletion.
Coding change: c.3909del on transcript NM_025137.4 (MANE Select); coding-DNA position 3909, one base deleted (A; older notation c.3909delA).
Protein change: p.Lys1303fs; shifts the reading frame from lysine 1303.
Molecular consequence: frameshift variant.
Genome position (GRCh38, 1-based): chr15:44,598,357, T deleted on the plus strand (A on the coding strand, the reverse complement: SPG11 is on the minus strand); the first of 3 consecutive T bases (chr15:44,598,357-44,598,359); deleting any one gives the same sequence. VCF-style (leftmost placement, unchanged base first): chr15-44598356-GT-G. GRCh37 (hg19) VCF-style: chr15-44890554-GT-G.
Other names: c.3909del, p.Lys1303fs (NM_001160227.2); short protein forms K1303fs.
Identifiers: ClinVar variation 1075471 (VCV001075471.7), dbSNP rs2140977221, ClinGen allele CA2499222933.